The following is an entry in ClinVar:

NM_014915.3(ANKRD26):c.3505G>A (p.Asp1169Asn)

Gene: ANKRD26 (ankyrin repeat domain 26; minus strand). Cytogenetic location: 10p12.1.
Variant type: single nucleotide variant.
Coding change: c.3505G>A on transcript NM_014915.3 (MANE Select); coding-DNA position 3505, G replaced by A.
Protein change: p.Asp1169Asn; replaces aspartic acid 1169 with asparagine.
Molecular consequence: missense variant.
Genome position (GRCh38, 1-based): chr10:27,034,945, C>T on the plus strand (G>A on the coding strand, the complement: ANKRD26 is on the minus strand). VCF-style: chr10-27034945-C-T. GRCh37 (hg19) VCF-style: chr10-27323874-C-T.
Other names: c.3502G>A, p.Asp1168Asn (NM_001256053.2); short protein forms D1169N, D1168N.
Identifiers: ClinVar variation 4579528 (VCV004579528.1).

ClinVar aggregate classification (germline): Uncertain significance (1 of 4 stars; one submission).

Conditions:
Inborn genetic diseases. Identifiers: MedGen C0950123, MeSH D030342.

gnomAD v4.1: 1 of 1,614,044 alleles (0.000062%); highest among the groups gnomAD compares: Non-Finnish European, 0.000085%; no homozygotes.

Submission:

Ambry Genetics
Classification: Uncertain significance for Inborn genetic diseases. Last evaluated: 2025-10-19. Review status: criteria provided, single submitter. Criteria: Ambry Variant Classification Scheme 2023. Collection method: clinical testing. Allele origin: germline.
Comment: The p.D1169N variant (also known as c.3505G>A), located in coding exon 24 of the ANKRD26 gene, results from a G to A substitution at nucleotide position 3505. The aspartic acid at codon 1169 is replaced by asparagine, an amino acid with highly similar properties. This amino acid position is conserved. In addition, this alteration is predicted to be tolerated by in silico analysis. Based on the available evidence, the clinical significance of this variant remains unclear.